The following is an entry in ClinVar:

ClinVar aggregate classification (germline): Uncertain significance (1 of 4 stars; one submission).

Conditions:
Hereditary cancer-predisposing syndrome. Also called: Neoplastic Syndromes, Hereditary; Tumor predisposition; Hereditary Cancer Syndrome; Hereditary neoplastic syndrome. Identifiers: Orphanet 140162, MedGen C0027672, MeSH D009386, MONDO:0015356.

Submission:

Ambry Genetics
Classification: Uncertain significance for Hereditary cancer-predisposing syndrome. Last evaluated: 2025-10-26. Review status: criteria provided, single submitter. Criteria: Ambry Variant Classification Scheme 2023. Collection method: clinical testing. Allele origin: germline.
Comment: The p.G1696R variant (also known as c.5086G>A), located in coding exon 38 of the POLE gene, results from a G to A substitution at nucleotide position 5086. The glycine at codon 1696 is replaced by arginine, an amino acid with dissimilar properties. This amino acid position is conserved. In addition, this alteration is predicted to be deleterious by in silico analysis. Based on the available evidence, the clinical significance of this variant remains unclear.

NM_006231.4(POLE):c.5086G>A (p.Gly1696Arg)

Gene: POLE (DNA polymerase epsilon, catalytic subunit; minus strand). Cytogenetic location: 12q24.33.
Variant type: single nucleotide variant.
Coding change: c.5086G>A on transcript NM_006231.4 (MANE Select); coding-DNA position 5086, G replaced by A.
Protein change: p.Gly1696Arg; replaces glycine 1696 with arginine.
Molecular consequence: missense variant.
Genome position (GRCh38, 1-based): chr12:132,642,264, C>T on the plus strand (G>A on the coding strand, the complement: POLE is on the minus strand). VCF-style: chr12-132642264-C-T. GRCh37 (hg19) VCF-style: chr12-133218850-C-T.
Other names: short protein forms G1696R.
Identifiers: ClinVar variation 4670964 (VCV004670964.1).
Genomic context (GRCh38, chr12:132,642,264, plus strand): 5'-TCTCAACAGTGGCTTGGTCATCGAACTCCATGACAAGACAGTTGTCATCAGCCTCCTTTC[C>T]ACCCAGGTCAGGGCGGGCTGTAGGGGACAGCCAGAGCAGGTGGTTGTGGCGCTGGAGGTG-3'
Protein context (NP_006222.2, residues 1686-1706): LSPTARPDLG[Gly1696Arg]KEADDNCLVM